The following is an entry in ClinVar:

NM_003730.6(RNASET2):c.16C>T (p.Leu6=)

Gene: RNASET2 (ribonuclease T2; minus strand). Cytogenetic location: 6q27.
Variant type: single nucleotide variant.
Coding change: c.16C>T on transcript NM_003730.6 (MANE Select); coding-DNA position 16, C replaced by T.
Protein change: p.Leu6=; no amino-acid change (leucine 6 retained).
Molecular consequence: synonymous variant.
Genome position (GRCh38, 1-based): chr6:166,956,167, G>A on the plus strand (C>T on the coding strand, the complement: RNASET2 is on the minus strand). VCF-style: chr6-166956167-G-A. GRCh37 (hg19) VCF-style: chr6-167369655-G-A.
Identifiers: ClinVar variation 356039 (VCV000356039.13), dbSNP rs11557915, ClinGen allele CA4095206.

ClinVar aggregate classification (germline): Benign. Review status: criteria provided, multiple submitters, no conflicts (2 of 4 stars). 2 submissions from 2 submitters: Benign (2). Last evaluated 2026-01-29.

Conditions:
Cystic leukoencephalopathy without megalencephaly. Identifiers: Orphanet 85136, MedGen C2751843, MONDO:0013058, OMIM 612951.

Allele frequency attached by ClinVar (database versions not stated): gnomAD exomes 0.00262 and 0.00624; ExAC 0.01336; ESP Exome Variant Server 0.02614; gnomAD 0.02781 and 0.02984; TOPMed 0.03098; 1000 Genomes Project 0.03155; 1000 Genomes Project 30x 0.03420.
gnomAD v4.1: 8,049 of 1,549,670 alleles (0.52%); highest among the groups gnomAD compares: African/African-American, 10%; 409 homozygotes.

Submissions (2):

Labcorp Genetics (formerly Invitae), Labcorp
Classification: Benign. Last evaluated: 2026-01-29. Review status: criteria provided, single submitter. Criteria: Invitae Variant Classification Sherloc (09022015). Collection method: clinical testing. Allele origin: germline.

Illumina Laboratory Services, Illumina
Classification: Benign for Cystic leukoencephalopathy without megalencephaly. Last evaluated: 2018-01-12. Review status: criteria provided, single submitter. Criteria: ICSL Variant Classification Criteria 13 December 2019. Collection method: clinical testing. Allele origin: germline.
Comment: This variant was observed in the ICSL laboratory as part of a predisposition screen in an ostensibly healthy population. It had not been previously curated by ICSL or reported in the Human Gene Mutation Database (HGMD: prior to June 1st, 2018), and was therefore a candidate for classification through an automated scoring system. Utilizing variant allele frequency, disease prevalence and penetrance estimates, and inheritance mode, an automated score was calculated to assess if this variant is too frequent to cause the disease. Based on the score and internal cut-off values, a variant classified as benign is not then subjected to further curation. The score for this variant resulted in a classification of benign for this disease.